The following is an entry in ClinVar:

NM_005359.6(SMAD4):c.1355C>T (p.Ala452Val)

Gene: SMAD4 (SMAD family member 4; plus strand). Cytogenetic location: 18q21.2.
Variant type: single nucleotide variant.
Coding change: c.1355C>T on transcript NM_005359.6 (MANE Select); coding-DNA position 1355, C replaced by T.
Protein change: p.Ala452Val; replaces alanine 452 with valine.
Molecular consequence: missense variant.
Genome position (GRCh38, 1-based): chr18:51,076,684, C>T. VCF-style: chr18-51076684-C-T. GRCh37 (hg19) VCF-style: chr18-48603054-C-T.
Other names: short protein forms A452V.
Identifiers: ClinVar variation 1504649 (VCV001504649.10), dbSNP rs2144473900, ClinGen allele CA402465210.

ClinVar aggregate classification (germline): Uncertain significance. Review status: criteria provided, multiple submitters, no conflicts (2 of 4 stars). 4 submissions from 4 submitters: Uncertain significance (4). Last evaluated 2026-03-19.

Conditions:
Juvenile polyposis syndrome (JPS). Identifiers: Orphanet 2929, MedGen C0345893, MONDO:0017380, OMIM 174900.
Hereditary cancer-predisposing syndrome. Also called: Tumor predisposition; Hereditary neoplastic syndrome; Hereditary Cancer Syndrome; Neoplastic Syndromes, Hereditary. Identifiers: Orphanet 140162, MedGen C0027672, MeSH D009386, MONDO:0015356.
Familial thoracic aortic aneurysm and aortic dissection (TAAD). Also called: Thoracic aortic aneurysms and dissections. Identifiers: Orphanet 91387, MedGen C4707243, MONDO:0019625.

Submissions (4):

Women's Health and Genetics/Laboratory Corporation of America, LabCorp
Classification: Uncertain significance. Last evaluated: 2026-03-19. Review status: criteria provided, single submitter. Criteria: LabCorp Variant Classification Summary - May 2015. Collection method: clinical testing. Allele origin: germline.

GeneDx
Classification: Uncertain significance. Last evaluated: 2025-08-08. Review status: criteria provided, single submitter. Criteria: GeneDx Variant Classification Process June 2021. Collection method: clinical testing. Allele origin: germline. Affected: yes.
Comment: Not observed at significant frequency in large population cohorts (gnomAD); In silico analysis supports that this missense variant has a deleterious effect on protein structure/function; Has not been previously published as pathogenic or benign to our knowledge; This variant is associated with the following publications: (PMID: 15235019, 17873119, 18823382)

Labcorp Genetics (formerly Invitae), Labcorp
Classification: Uncertain significance for Juvenile polyposis syndrome. Last evaluated: 2025-05-29. Review status: criteria provided, single submitter. Criteria: Invitae Variant Classification Sherloc (09022015). Collection method: clinical testing. Allele origin: germline.
Comment: This sequence change replaces alanine, which is neutral and non-polar, with valine, which is neutral and non-polar, at codon 452 of the SMAD4 protein (p.Ala452Val). This variant is not present in population databases (gnomAD no frequency). This variant has not been reported in the literature in individuals affected with SMAD4-related conditions. ClinVar contains an entry for this variant (Variation ID: 1504649). Invitae Evidence Modeling of protein sequence and biophysical properties (such as structural, functional, and spatial information, amino acid conservation, physicochemical variation, residue mobility, and thermodynamic stability) has been performed for this missense variant. However, the output from this modeling did not meet the statistical confidence thresholds required to predict the impact of this variant on SMAD4 protein function. In summary, the available evidence is currently insufficient to determine the role of this variant in disease. Therefore, it has been classified as a Variant of Uncertain Significance.

Ambry Genetics
Classification: Uncertain significance for Hereditary cancer-predisposing syndrome; Familial thoracic aortic aneurysm and aortic dissection. Last evaluated: 2023-02-10. Review status: criteria provided, single submitter. Criteria: Ambry Variant Classification Scheme 2023. Collection method: clinical testing. Allele origin: germline.
Comment: The p.A452V variant (also known as c.1355C>T), located in coding exon 10 of the SMAD4 gene, results from a C to T substitution at nucleotide position 1355. The alanine at codon 452 is replaced by valine, an amino acid with similar properties. This amino acid position is highly conserved in available vertebrate species. In addition, the in silico prediction for this alteration is inconclusive. Since supporting evidence is limited at this time, the clinical significance of this alteration remains unclear.